The following is an entry in ClinVar:

ClinVar aggregate classification (germline): Pathogenic (1 of 4 stars; one submission).

Conditions:
Diffuse cerebral and cerebellar atrophy - intractable seizures - progressive microcephaly syndrome. Also called: Microcephaly, progressive, with seizures and cerebral and cerebellar atrophy. Identifiers: Orphanet 404437, MedGen C4014239, MONDO:0014335, OMIM 615760.

Allele frequency attached by ClinVar (database versions not stated): gnomAD exomes below 0.00001.
gnomAD v4.1: 1 of 1,614,178 alleles (0.000062%); highest among the groups gnomAD compares: South Asian, 0.0011%; no homozygotes.

Submission:

Labcorp Genetics (formerly Invitae), Labcorp
Classification: Pathogenic for Diffuse cerebral and cerebellar atrophy - intractable seizures - progressive microcephaly syndrome. Last evaluated: 2022-02-20. Review status: criteria provided, single submitter. Criteria: Invitae Variant Classification Sherloc (09022015). Collection method: clinical testing. Allele origin: germline.
Comment: For these reasons, this variant has been classified as Pathogenic. This variant has not been reported in the literature in individuals affected with QARS-related conditions. This variant is not present in population databases (gnomAD no frequency). This sequence change creates a premature translational stop signal (p.Arg62*) in the QARS gene. It is expected to result in an absent or disrupted protein product. Loss-of-function variants in QARS are known to be pathogenic (PMID: 24656866, 25471517).

Literature cited by the submitters: PubMed 24656866; PubMed 25471517.

NM_005051.3(QARS1):c.184C>T (p.Arg62Ter)

Gene: QARS1 (glutaminyl-tRNA synthetase 1; minus strand). Cytogenetic location: 3p21.31.
Variant type: single nucleotide variant.
Coding change: c.184C>T on transcript NM_005051.3 (MANE Select); coding-DNA position 184, C replaced by T.
Protein change: p.Arg62Ter; replaces arginine 62 with a stop codon.
Molecular consequence: nonsense. On other transcripts: non-coding transcript variant (1).
Genome position (GRCh38, 1-based): chr3:49,104,405, G>A on the plus strand (C>T on the coding strand, the complement: QARS1 is on the minus strand). VCF-style: chr3-49104405-G-A. GRCh37 (hg19) VCF-style: chr3-49141838-G-A.
Other names: c.184C>T, p.Arg62Ter (NM_001272073.2); short protein forms R62*.
Identifiers: ClinVar variation 1379869 (VCV001379869.6), dbSNP rs2042511461, ClinGen allele CA352722813.
Genomic context (GRCh38, chr3:49,104,405, plus strand): 5'-GGATCTTCTTACTGGCTATGTAGCTTACAAGGAAGGAGAGACGCCGGGTATCCCTGAGTC[G>A]GGAGGCCAAGCCATATAACAGGATCCCGGTAGCTTTGTCAATGGTGGAACCCAGGGTCTG-3'